The following is an entry in ClinVar:

ClinVar aggregate classification (germline): Uncertain significance (1 of 4 stars; one submission).

Submission:

Labcorp Genetics (formerly Invitae), Labcorp
Classification: Uncertain significance. Last evaluated: 2023-08-04. Review status: criteria provided, single submitter. Criteria: Invitae Variant Classification Sherloc (09022015). Collection method: clinical testing. Allele origin: germline.
Comment: In summary, the available evidence is currently insufficient to determine the role of this variant in disease. Therefore, it has been classified as a Variant of Uncertain Significance. An algorithm developed to predict the effect of missense changes on protein structure and function (PolyPhen-2) suggests that this variant is likely to be disruptive. ClinVar contains an entry for this variant (Variation ID: 1415128). This variant has not been reported in the literature in individuals affected with ZNF469-related conditions. This variant is not present in population databases (gnomAD no frequency). This sequence change replaces aspartic acid, which is acidic and polar, with histidine, which is basic and polar, at codon 2913 of the ZNF469 protein (p.Asp2913His).

NM_001367624.2(ZNF469):c.8821G>C (p.Asp2941His)

Gene: ZNF469 (zinc finger protein 469; plus strand). Cytogenetic location: 16q24.2.
Variant type: single nucleotide variant.
Coding change: c.8821G>C on transcript NM_001367624.2 (MANE Select); coding-DNA position 8821, G replaced by C.
Protein change: p.Asp2941His; replaces aspartic acid 2941 with histidine.
Molecular consequence: missense variant.
Genome position (GRCh38, 1-based): chr16:88,436,291, G>C. VCF-style: chr16-88436291-G-C. GRCh37 (hg19) VCF-style: chr16-88502699-G-C.
Other names: short protein forms D2941H.
Identifiers: ClinVar variation 1415128 (VCV001415128.8), dbSNP rs1597213193, ClinGen allele CA397119500.
Genomic context (GRCh38, chr16:88,436,291, plus strand): 5'-TGCCATGAGGACCCGTGGGAGGACGAGGATCCCGCAGGTCTGCCCGAGTCCTTCCTCCTG[G>C]ATGGGTTCCTCAATAGCAGGGTGCCTGGCATTGACCCCTGGGCCCCCGGCCTCAGCCTGT-3'
Protein context (NP_001354553.1, residues 2931-2951): PAGLPESFLL[Asp2941His]GFLNSRVPGI